The following is an entry in ClinVar:

ClinVar aggregate classification (germline): Pathogenic/Likely pathogenic. Review status: criteria provided, multiple submitters, no conflicts (2 of 4 stars). 5 submissions from 5 submitters: Pathogenic (2); Likely pathogenic (2). 1 of the submissions does not count toward it. Last evaluated 2025-01-21.

Conditions:
Hereditary cancer-predisposing syndrome. Also called: Tumor predisposition; Hereditary Cancer Syndrome; Neoplastic Syndromes, Hereditary; Hereditary neoplastic syndrome. Identifiers: Orphanet 140162, MedGen C0027672, MeSH D009386, MONDO:0015356.
Cardiovascular phenotype. Identifiers: MedGen CN230736.
Neurofibromatosis, type 1 (NF1). Also called: Peripheral type neurofibromatosis; VON RECKLINGHAUSEN DISEASE; NEUROFIBROMATOSIS, TYPE I, SOMATIC; Neurofibromatosis, type I. Identifiers: Orphanet 636, MedGen C0027831, MONDO:0018975, OMIM 162200. Disease mechanism: loss of function.

Allele frequency attached by ClinVar (database versions not stated): gnomAD exomes below 0.00001; ExAC 0.00001.

Submissions (5):

Labcorp Genetics (formerly Invitae), Labcorp
Classification: Pathogenic for Neurofibromatosis, type 1. Last evaluated: 2025-01-21. Review status: criteria provided, single submitter. Criteria: Invitae Variant Classification Sherloc (09022015). Collection method: clinical testing. Allele origin: germline.
Comment: This sequence change replaces threonine, which is neutral and polar, with lysine, which is basic and polar, at codon 780 of the NF1 protein (p.Thr780Lys). This variant is present in population databases (rs199474746, gnomAD 0.007%). This missense change has been observed in individual(s) with Neurofibromatosis type 1 (PMID: 1071297, 11735023, 12552569, 15146469, 16944272, 26478990). In at least one individual the variant was observed to be de novo. ClinVar contains an entry for this variant (Variation ID: 68316). Invitae Evidence Modeling of protein sequence and biophysical properties (such as structural, functional, and spatial information, amino acid conservation, physicochemical variation, residue mobility, and thermodynamic stability) indicates that this missense variant is expected to disrupt NF1 protein function with a positive predictive value of 95%. For these reasons, this variant has been classified as Pathogenic.

Genome-Nilou Lab
Classification: Likely pathogenic for Neurofibromatosis, type 1. Last evaluated: 2022-03-15. Review status: criteria provided, single submitter. Criteria: ACMG Guidelines, 2015. Collection method: clinical testing. Allele origin: germline. Affected: no.

ARUP Laboratories, Molecular Genetics and Genomics, ARUP Laboratories
Classification: Pathogenic. Last evaluated: 2017-12-12. Review status: criteria provided, single submitter. Criteria: ARUP Molecular Germline Variant Investigation Process. Collection method: clinical testing. Allele origin: germline.
Comment: The NF1 c.2339C>A; p.Thr780Lys variant (rs199474746) has been reported in multiple unrelated individuals with NF1, and was found de novo in at least one individual (De Luca 2003, De Luca 2004, Esposito 2015, Fahsold 2000, Han 2001). Additionally, two other alterations at this codon (p.Thr780Arg, p.Thr780Pro) have been reported in individuals with NF1 (Griffiths 2007, Laycock-van Spyk 2011). The p.Thr780Lys variant is reported as pathogenic in ClinVar (Variation ID: 68316), and is observed in the general population at a low overall allele frequency of 0.0004% (1/246132 alleles) in the Genome Aggregation Database. The threonine at codon 780 is highly conserved and computational algorithms (SIFT, PolyPhen2, MutationTaster, Align GVGD) predict this variant to be damaging to the protein. Taken together, the p.Thr780Lys variant is considered pathogenic. REFERENCES De Luca A et al. NF1 gene analysis based on DHPLC. Hum Mutat. 2003 Feb;21(2):171-2. De Luca A et al. Novel and recurrent mutations in the NF1 gene in Italian patients with neurofibromatosis type 1. Hum Mutat. 2004 Jun;23(6):629. Esposito T et al. A novel diagnostic method to detect truncated neurofibromin in neurofibromatosis 1. J Neurochem. 2015 Dec;135(6):1123-8. Fahsold R et al. Minor lesion mutational spectrum of the entire NF1 gene does not explain its high mutability but points to a functional domain upstream of the GAP-related domain. Am J Hum Genet. 2000 Mar;66(3):790-818. Griffiths S et al. Molecular diagnosis of neurofibromatosis type 1: 2 years experience. Fam Cancer. 2007;6(1):21-34. Han SS et al. Evaluation of denaturing high performance liquid chromatography (DHPLC) for the mutational analysis of the neurofibromatosis type 1 ( NF1) gene. Hum Genet. 2001 Nov;109(5):487-97. Laycock-van Spyk S et al. Neurofibromatosis type 1-associated tumours: their somatic mutational spectrum and pathogenesis. Hum Genomics. 2011 Oct;5(6):623-90.

Ambry Genetics
Classification: Likely pathogenic for Cardiovascular phenotype; Hereditary cancer-predisposing syndrome. Last evaluated: 2017-03-10. Review status: criteria provided, single submitter. Criteria: Ambry Variant Classification Scheme 2023. Collection method: clinical testing. Allele origin: germline.
Comment: The p.T780K variant (also known as c.2339C>A), located in coding exon 20 of the NF1 gene, results from a C to A substitution at nucleotide position 2339. The threonine at codon 780 is replaced by lysine, an amino acid with some similar properties. This alteration has been reported multiple times in the literature in individuals who meet NIH neurofibromatosis type 1 diagnostic criteria (Evans DG et al. EBioMedicine, 2016 May;7:212-20; Fahsold R et al. Am. J. Hum. Genet., 2000 Mar;66:790-818; De Luca A et al. Hum. Mutat., 2004 Jun;23:629; Esposito T et al. J. Neurochem., 2015 Dec;135:1123-8). This amino acid position is highly conserved in available vertebrate species. In addition, this alteration is predicted to be deleterious by in silico analysis. Based on the majority of available evidence to date, this variant is likely to be pathogenic.

UniProtKB/Swiss-Prot
No classification provided. Review status: no classification provided. Collection method: not provided. Allele origin: not provided. Not counted in ClinVar's aggregate classification.

Literature cited by the submitters: PubMed 1071297 (cited by Labcorp Genetics (formerly Invitae), Labcorp); PubMed 11735023 (cited by Labcorp Genetics (formerly Invitae), Labcorp); PubMed 12552569 (cited by Labcorp Genetics (formerly Invitae), Labcorp); PubMed 15146469 (cited by Labcorp Genetics (formerly Invitae), Labcorp); PubMed 16944272 (cited by Labcorp Genetics (formerly Invitae), Labcorp); PubMed 26478990 (cited by Labcorp Genetics (formerly Invitae), Labcorp).

NM_001042492.3(NF1):c.2339C>A (p.Thr780Lys)

Gene: NF1 (neurofibromin 1; plus strand). Cytogenetic location: 17q11.2.
Variant type: single nucleotide variant.
Coding change: c.2339C>A on transcript NM_001042492.3 (MANE Select); coding-DNA position 2339, C replaced by A.
Protein change: p.Thr780Lys; replaces threonine 780 with lysine.
Molecular consequence: missense variant.
Genome position (GRCh38, 1-based): chr17:31,227,536, C>A. VCF-style: chr17-31227536-C-A. GRCh37 (hg19) VCF-style: chr17-29554554-C-A.
Other names: c.2339C>A, p.Thr780Lys (NM_000267.4); short protein forms T780K.
Identifiers: ClinVar variation 68316 (VCV000068316.57), dbSNP rs199474746, ClinGen allele CA219449.